The following is an entry in ClinVar:

ClinVar aggregate classification (germline): Uncertain significance. Review status: criteria provided, multiple submitters, no conflicts (2 of 4 stars). 2 submissions from 2 submitters: Uncertain significance (2). Last evaluated 2022-06-22.

Allele frequency attached by ClinVar (database versions not stated): gnomAD 0.00001; TOPMed 0.00002; ESP Exome Variant Server 0.00008.
gnomAD v4.1: 46 of 1,614,058 alleles (0.0028%); highest among the groups gnomAD compares: South Asian, 0.0066%; no homozygotes.

Submissions (2):

Labcorp Genetics (formerly Invitae), Labcorp
Classification: Uncertain significance. Last evaluated: 2022-06-22. Review status: criteria provided, single submitter. Criteria: Invitae Variant Classification Sherloc (09022015). Collection method: clinical testing. Allele origin: germline.
Comment: This sequence change replaces alanine, which is neutral and non-polar, with threonine, which is neutral and polar, at codon 315 of the CAD protein (p.Ala315Thr). This variant is present in population databases (rs142361149, gnomAD 0.006%). This variant has not been reported in the literature in individuals affected with CAD-related conditions. Algorithms developed to predict the effect of missense changes on protein structure and function are either unavailable or do not agree on the potential impact of this missense change (SIFT: "Deleterious"; PolyPhen-2: "Benign"; Align-GVGD: "Class C0"). In summary, the available evidence is currently insufficient to determine the role of this variant in disease. Therefore, it has been classified as a Variant of Uncertain Significance.

GeneDx
Classification: Uncertain significance. Last evaluated: 2022-03-03. Review status: criteria provided, single submitter. Criteria: GeneDx Variant Classification Process June 2021. Collection method: clinical testing. Allele origin: germline. Affected: yes.
Comment: In silico analysis supports that this missense variant does not alter protein structure/function; Has not been previously published as pathogenic or benign to our knowledge

NM_004341.5(CAD):c.943G>A (p.Ala315Thr)

Gene: CAD (carbamoyl-phosphate synthetase 2, aspartate transcarbamylase, and dihydroorotase; plus strand). Cytogenetic location: 2p23.3.
Variant type: single nucleotide variant.
Coding change: c.943G>A on transcript NM_004341.5 (MANE Select); coding-DNA position 943, G replaced by A.
Protein change: p.Ala315Thr; replaces alanine 315 with threonine.
Molecular consequence: missense variant.
Genome position (GRCh38, 1-based): chr2:27,223,696, G>A. VCF-style: chr2-27223696-G-A. GRCh37 (hg19) VCF-style: chr2-27446564-G-A.
Other names: c.943G>A, p.Ala315Thr (NM_001306079.2); short protein forms A315T.
Identifiers: ClinVar variation 1704119 (VCV001704119.5), dbSNP rs142361149, ClinGen allele CA44496547.